The following is an entry in ClinVar:

NM_024678.6(NARS2):c.1009T>C (p.Phe337Leu)

Gene: NARS2 (asparaginyl-tRNA synthetase 2, mitochondrial; minus strand). Cytogenetic location: 11q14.1.
Variant type: single nucleotide variant.
Coding change: c.1009T>C on transcript NM_024678.6 (MANE Select); coding-DNA position 1009, T replaced by C.
Protein change: p.Phe337Leu; replaces phenylalanine 337 with leucine.
Molecular consequence: missense variant.
Genome position (GRCh38, 1-based): chr11:78,469,264, A>G on the plus strand (T>C on the coding strand, the complement: NARS2 is on the minus strand). VCF-style: chr11-78469264-A-G. GRCh37 (hg19) VCF-style: chr11-78180310-A-G.
Other names: c.1009T>C (NM_024678.5); c.328T>C, p.Phe110Leu (NM_001243251.2); short protein forms F110L, F337L.
Identifiers: ClinVar variation 1944188 (VCV001944188.6), dbSNP rs775980355, ClinGen allele CA6205622.

ClinVar aggregate classification (germline): Uncertain significance. Review status: criteria provided, multiple submitters, no conflicts (2 of 4 stars). 2 submissions from 2 submitters: Uncertain significance (2). Last evaluated 2025-08-06.

Conditions:
Inborn genetic diseases. Identifiers: MedGen C0950123, MeSH D030342.

Allele frequency attached by ClinVar (database versions not stated): gnomAD exomes below 0.00001; TOPMed below 0.00001; ExAC 0.00001; gnomAD 0.00001.
gnomAD v4.1: 3 of 1,612,074 alleles (0.00019%); highest among the groups gnomAD compares: Non-Finnish European, 0.00025%; no homozygotes.

Submissions (2):

Ambry Genetics
Classification: Uncertain significance for Inborn genetic diseases. Last evaluated: 2025-08-06. Review status: criteria provided, single submitter. Criteria: Ambry Variant Classification Scheme 2023. Collection method: clinical testing. Allele origin: germline.

Labcorp Genetics (formerly Invitae), Labcorp
Classification: Uncertain significance. Last evaluated: 2022-10-17. Review status: criteria provided, single submitter. Criteria: Invitae Variant Classification Sherloc (09022015). Collection method: clinical testing. Allele origin: germline.
Comment: In summary, the available evidence is currently insufficient to determine the role of this variant in disease. Therefore, it has been classified as a Variant of Uncertain Significance. Advanced modeling of protein sequence and biophysical properties (such as structural, functional, and spatial information, amino acid conservation, physicochemical variation, residue mobility, and thermodynamic stability) performed at Invitae indicates that this missense variant is not expected to disrupt NARS2 protein function. This variant has not been reported in the literature in individuals affected with NARS2-related conditions. This variant is present in population databases (rs775980355, gnomAD 0.0009%). This sequence change replaces phenylalanine, which is neutral and non-polar, with leucine, which is neutral and non-polar, at codon 337 of the NARS2 protein (p.Phe337Leu).